The following is an entry in ClinVar:

ClinVar aggregate classification (germline): Conflicting classifications of pathogenicity. Review status: criteria provided, conflicting classifications (1 of 4 stars). 2 submissions from 2 submitters: Uncertain significance (1); Likely benign (1). Last evaluated 2025-11-25.

Conditions:
Cardiovascular phenotype. Identifiers: MedGen CN230736.
Progressive familial heart block type IB (PFHB1B). Identifiers: Orphanet 871, MedGen C1970298, MONDO:0011474, OMIM 604559.

Allele frequency attached by ClinVar (database versions not stated): TOPMed 0.00001; gnomAD exomes 0.00002 and 0.00005; ExAC 0.00004.
gnomAD v4.1: 12 of 1,614,174 alleles (0.00074%); highest among the groups gnomAD compares: Admixed American, 0.017%; no homozygotes.

Submissions (2):

Ambry Genetics
Classification: Likely benign for Cardiovascular phenotype. Last evaluated: 2025-11-25. Review status: criteria provided, single submitter. Criteria: Ambry Variant Classification Scheme 2023. Collection method: clinical testing. Allele origin: germline.

Labcorp Genetics (formerly Invitae), Labcorp
Classification: Uncertain significance for Progressive familial heart block type IB. Last evaluated: 2023-03-26. Review status: criteria provided, single submitter. Criteria: Invitae Variant Classification Sherloc (09022015). Collection method: clinical testing. Allele origin: germline.
Comment: Algorithms developed to predict the effect of missense changes on protein structure and function output the following: SIFT: "Not Available"; PolyPhen-2: "Benign"; Align-GVGD: "Not Available". The asparagine amino acid residue is found in multiple mammalian species, which suggests that this missense change does not adversely affect protein function. In summary, the available evidence is currently insufficient to determine the role of this variant in disease. Therefore, it has been classified as a Variant of Uncertain Significance. ClinVar contains an entry for this variant (Variation ID: 468933). This variant has not been reported in the literature in individuals affected with TRPM4-related conditions. This variant is present in population databases (rs758539676, gnomAD 0.02%). This sequence change replaces aspartic acid, which is acidic and polar, with asparagine, which is neutral and polar, at codon 651 of the TRPM4 protein (p.Asp651Asn).

NM_017636.4(TRPM4):c.1951G>A (p.Asp651Asn)

Gene: TRPM4 (transient receptor potential cation channel subfamily M member 4; plus strand). Cytogenetic location: 19q13.33.
Variant type: single nucleotide variant.
Coding change: c.1951G>A on transcript NM_017636.4 (MANE Select); coding-DNA position 1951, G replaced by A.
Protein change: p.Asp651Asn; replaces aspartic acid 651 with asparagine.
Molecular consequence: missense variant.
Genome position (GRCh38, 1-based): chr19:49,189,023, G>A. VCF-style: chr19-49189023-G-A. GRCh37 (hg19) VCF-style: chr19-49692280-G-A.
Other names: c.1951G>A, p.Asp651Asn (NM_001195227.2); c.1606G>A, p.Asp536Asn (NM_001321281.2); c.343G>A, p.Asp115Asn (NM_001321282.2); c.1429G>A, p.Asp477Asn (NM_001321283.2); c.889G>A, p.Asp297Asn (NM_001321285.2); short protein forms D651N, D536N, D115N, D297N, D477N.
Identifiers: ClinVar variation 468933 (VCV000468933.9), dbSNP rs758539676, ClinGen allele CA9569386.